The following is an entry in ClinVar:

ClinVar aggregate classification (germline): Benign. Review status: criteria provided, multiple submitters, no conflicts (2 of 4 stars). 5 submissions from 5 submitters: Benign (5). Last evaluated 2026-02-03.

Conditions:
Hypertrophic cardiomyopathy 1 (CMH1). Also called: MYH7-Related Familial Hypertrophic Cardiomyopathy; Familial hypertrophic cardiomyopathy 1. Identifiers: MedGen C3495498, MONDO:0008647, OMIM 192600.

Allele frequency attached by ClinVar (database versions not stated): 1000 Genomes Project 0.00819; 1000 Genomes Project 30x 0.00843; TOPMed 0.01521; ESP Exome Variant Server 0.01622; gnomAD 0.01751 and 0.01807; ExAC 0.02032; gnomAD exomes 0.02072 and 0.02404.
gnomAD v4.1: 37,479 of 1,614,006 alleles (2.3%); highest among the groups gnomAD compares: Admixed American, 2.7%; 543 homozygotes.

Submissions (5):

Labcorp Genetics (formerly Invitae), Labcorp
Classification: Benign for Hypertrophic cardiomyopathy 1. Last evaluated: 2026-02-03. Review status: criteria provided, single submitter. Criteria: Invitae Variant Classification Sherloc (09022015). Collection method: clinical testing. Allele origin: germline.

ARUP Laboratories, Molecular Genetics and Genomics, ARUP Laboratories
Classification: Benign for Hypertrophic cardiomyopathy 1. Last evaluated: 2023-11-22. Review status: criteria provided, single submitter. Criteria: ARUP Molecular Germline Variant Investigation Process 2024. Collection method: clinical testing. Allele origin: germline.

GeneDx
Classification: Benign. Last evaluated: 2013-12-09. Review status: criteria provided, single submitter. Criteria: GeneDx Variant Classification (06012015). Collection method: clinical testing. Allele origin: germline. Affected: yes.
Comment: This variant is considered likely benign or benign based on one or more of the following criteria: it is a conservative change, it occurs at a poorly conserved position in the protein, it is predicted to be benign by multiple in silico algorithms, and/or has population frequency not consistent with disease.

Laboratory for Molecular Medicine, Mass General Brigham Personalized Medicine
Classification: Benign. Last evaluated: 2012-05-25. Review status: criteria provided, single submitter. Criteria: LMM Criteria. Collection method: clinical testing. Allele origin: germline. Observed: 49 variant alleles.
Comment: 2.2% (155/7020) of Eur Amer chrom in ESP

Breakthrough Genomics
Classification: Benign. Review status: criteria provided, single submitter. Criteria: ACMG Guidelines, 2015. Collection method: not provided. Allele origin: germline. Inheritance: Autosomal dominant inheritance. Affected: yes.

NM_033118.4(MYLK2):c.1104C>T (p.Phe368=)

Gene: MYLK2 (myosin light chain kinase 2; plus strand). Cytogenetic location: 20q11.21.
Variant type: single nucleotide variant.
Coding change: c.1104C>T on transcript NM_033118.4 (MANE Select); coding-DNA position 1104, C replaced by T.
Protein change: p.Phe368=; no amino-acid change (phenylalanine 368 retained).
Molecular consequence: synonymous variant.
Genome position (GRCh38, 1-based): chr20:31,826,818, C>T. VCF-style: chr20-31826818-C-T. GRCh37 (hg19) VCF-style: chr20-30414621-C-T.
Other names: p.F368F:TTC>TTT.
Identifiers: ClinVar variation 46518 (VCV000046518.25), dbSNP rs6089088, ClinGen allele CA138511.